The following is an entry in ClinVar:

ClinVar aggregate classification (germline): Uncertain significance. Review status: criteria provided, multiple submitters, no conflicts (2 of 4 stars). 2 submissions from 2 submitters: Uncertain significance (2). Last evaluated 2026-01-17.

Conditions:
CD46-related disorder. Also called: CD46-related condition.

Allele frequency attached by ClinVar (database versions not stated): gnomAD exomes below 0.00001; ExAC 0.00001; gnomAD 0.00003; TOPMed 0.00004.
gnomAD v4.1: 11 of 1,613,820 alleles (0.00068%); highest among the groups gnomAD compares: Admixed American, 0.01%; no homozygotes.

Submissions (2):

Labcorp Genetics (formerly Invitae), Labcorp
Classification: Uncertain significance. Last evaluated: 2026-01-17. Review status: criteria provided, single submitter. Criteria: Invitae Variant Classification Sherloc (09022015). Collection method: clinical testing. Allele origin: germline.
Comment: This sequence change replaces threonine, which is neutral and polar, with alanine, which is neutral and non-polar, at codon 267 of the CD46 protein (p.Thr267Ala). This variant is present in population databases (rs755419614, gnomAD 0.009%). This variant has not been reported in the literature in individuals affected with CD46-related conditions. ClinVar contains an entry for this variant (Variation ID: 2186282). Invitae Evidence Modeling of protein sequence and biophysical properties (such as structural, functional, and spatial information, amino acid conservation, physicochemical variation, residue mobility, and thermodynamic stability) indicates that this missense variant is not expected to disrupt CD46 protein function with a negative predictive value of 80%. In summary, the available evidence is currently insufficient to determine the role of this variant in disease. Therefore, it has been classified as a Variant of Uncertain Significance.

PreventionGenetics, part of Exact Sciences
Classification: Uncertain significance for CD46-related condition. Last evaluated: 2023-08-03. Review status: criteria provided, single submitter. Criteria: ACMG Guidelines, 2015. Collection method: clinical testing. Allele origin: germline.
Comment: The CD46 c.799A>G variant is predicted to result in the amino acid substitution p.Thr267Ala. To our knowledge, this variant has not been reported in the literature. This variant is reported in 0.0087% of alleles in individuals of Latino descent in gnomAD. At this time, the clinical significance of this variant is uncertain due to the absence of conclusive functional and genetic evidence.

NM_172351.3(CD46):c.799A>G (p.Thr267Ala)

Gene: CD46 (CD46 molecule; plus strand). Cytogenetic location: 1q32.2.
Variant type: single nucleotide variant.
Coding change: c.799A>G on transcript NM_172351.3 (MANE Select); coding-DNA position 799, A replaced by G.
Protein change: p.Thr267Ala; replaces threonine 267 with alanine.
Molecular consequence: missense variant.
Genome position (GRCh38, 1-based): chr1:207,767,138, A>G. VCF-style: chr1-207767138-A-G. GRCh37 (hg19) VCF-style: chr1-207940483-A-G.
Other names: c.799A>G, p.Thr267Ala (NM_002389.4, NM_153826.4, NM_172350.3 and 8 more transcripts); short protein forms T267A.
Identifiers: ClinVar variation 2186282 (VCV002186282.5), dbSNP rs755419614, ClinGen allele CA1371731.
Genomic context (GRCh38, chr1:207,767,138, plus strand): 5'-TACTACAAAGCAACAGTTATGTTTGAATGCGATAAGGGTTTTTACCTCGATGGCAGCGAC[A>G]CAATTGTCTGTGACAGTAACAGTACTTGGGATCCCCCAGTTCCAAAGTGTCTTAAAGGTA-3'
Protein context (NP_758861.1, residues 257-277): DKGFYLDGSD[Thr267Ala]IVCDSNSTWD